The following is an entry in ClinVar:

ClinVar aggregate classification (germline): Uncertain significance (1 of 4 stars; one submission).

Conditions:
DICER1-related tumor predisposition. Also called: DICER1-related pleuropulmonary blastoma cancer predisposition syndrome; DICER1 syndrome. Identifiers: Orphanet 284343, MedGen C3839822, MONDO:0100216.

Submission:

Labcorp Genetics (formerly Invitae), Labcorp
Classification: Uncertain significance for DICER1-related tumor predisposition. Last evaluated: 2017-04-10. Review status: criteria provided, single submitter. Criteria: Invitae Variant Classification Sherloc (09022015). Collection method: clinical testing. Allele origin: germline.
Comment: Algorithms developed to predict the effect of missense changes on protein structure and function output the following: SIFT: "Tolerated"; PolyPhen-2: "Benign"; Align-GVGD: "Class C0". The aspartic acid amino acid residue is found in multiple mammalian species, suggesting that this missense change does not adversely affect protein function. These predictions have not been confirmed by published functional studies. In summary, this variant is a novel missense change that is not predicted to affect protein function. There is no indication that it causes disease, but the available evidence is currently insufficient to prove that conclusively. Therefore, it has been classified as a Variant of Uncertain Significance. This variant is not present in population databases (ExAC no frequency) and has not been reported in the literature in individuals with a DICER1-related disease. This sequence change replaces glutamic acid with aspartic acid at codon 1167 of the DICER1 protein (p.Glu1167Asp). The glutamic acid residue is moderately conserved and there is a small physicochemical difference between glutamic acid and aspartic acid.

NM_177438.3(DICER1):c.3501A>T (p.Glu1167Asp)

Gene: DICER1 (dicer 1, ribonuclease III; minus strand). Cytogenetic location: 14q32.13.
Variant type: single nucleotide variant.
Coding change: c.3501A>T on transcript NM_177438.3 (MANE Select); coding-DNA position 3501, A replaced by T.
Protein change: p.Glu1167Asp; replaces glutamic acid 1167 with aspartic acid.
Molecular consequence: missense variant.
Genome position (GRCh38, 1-based): chr14:95,103,895, T>A on the plus strand (A>T on the coding strand, the complement: DICER1 is on the minus strand). VCF-style: chr14-95103895-T-A. GRCh37 (hg19) VCF-style: chr14-95570232-T-A.
Other names: c.3501A>T, p.Glu1167Asp (NM_001195573.1, NM_001271282.3, NM_001291628.2 and 1 more transcripts); short protein forms E1167D.
Identifiers: ClinVar variation 477144 (VCV000477144.10), dbSNP rs878855258, ClinGen allele CA390875162.